The following is an entry in ClinVar:

NM_000138.5(FBN1):c.2302G>A (p.Glu768Lys)

Gene: FBN1 (fibrillin 1; minus strand). Cytogenetic location: 15q21.1.
Variant type: single nucleotide variant.
Coding change: c.2302G>A on transcript NM_000138.5 (MANE Select); coding-DNA position 2302, G replaced by A.
Protein change: p.Glu768Lys; replaces glutamic acid 768 with lysine.
Molecular consequence: missense variant.
Genome position (GRCh38, 1-based): chr15:48,496,217, C>T on the plus strand (G>A on the coding strand, the complement: FBN1 is on the minus strand). VCF-style: chr15-48496217-C-T. GRCh37 (hg19) VCF-style: chr15-48788414-C-T.
Other names: c.2302G>A, p.Glu768Lys (NM_001406716.1); short protein forms E768K.
Identifiers: ClinVar variation 1789313 (VCV001789313.5), dbSNP rs2505573862, ClinGen allele CA392335544.

ClinVar aggregate classification (germline): Uncertain significance. Review status: criteria provided, multiple submitters, no conflicts (2 of 4 stars). 2 submissions from 2 submitters: Uncertain significance (2). Last evaluated 2023-08-11.

Conditions:
Marfan syndrome (MFS). Also called: Marfan's syndrome; Marfan syndrome, classic; MARFAN SYNDROME, TYPE I; Marfan syndrome type 1; FBN1-Related Marfan Syndrome. Identifiers: Orphanet 284963, Orphanet 558, MedGen C0024796, MONDO:0007947, OMIM 154700.
Familial thoracic aortic aneurysm and aortic dissection (TAAD). Also called: Thoracic aortic aneurysms and dissections. Identifiers: Orphanet 91387, MedGen C4707243, MONDO:0019625.

Submissions (2):

Labcorp Genetics (formerly Invitae), Labcorp
Classification: Uncertain significance for Marfan syndrome; Familial thoracic aortic aneurysm and aortic dissection. Last evaluated: 2023-08-11. Review status: criteria provided, single submitter. Criteria: Invitae Variant Classification Sherloc (09022015). Collection method: clinical testing. Allele origin: germline.
Comment: This sequence change replaces glutamic acid, which is acidic and polar, with lysine, which is basic and polar, at codon 768 of the FBN1 protein (p.Glu768Lys). This variant is not present in population databases (gnomAD no frequency). This missense change has been observed in individual(s) with clinical features of thoracic aortic aneurysm and aortic dissection (Invitae). ClinVar contains an entry for this variant (Variation ID: 1789313). Advanced modeling of protein sequence and biophysical properties (such as structural, functional, and spatial information, amino acid conservation, physicochemical variation, residue mobility, and thermodynamic stability) performed at Invitae indicates that this missense variant is expected to disrupt FBN1 protein function. This variant disrupts the p.Glu768 amino acid residue in FBN1. Other variant(s) that disrupt this residue have been observed in individuals with FBN1-related conditions (PMID: 33824467), which suggests that this may be a clinically significant amino acid residue. In summary, the available evidence is currently insufficient to determine the role of this variant in disease. Therefore, it has been classified as a Variant of Uncertain Significance.

Ambry Genetics
Classification: Uncertain significance for Familial thoracic aortic aneurysm and aortic dissection. Last evaluated: 2020-06-08. Review status: criteria provided, single submitter. Criteria: Ambry Variant Classification Scheme 2023. Collection method: clinical testing. Allele origin: germline.
Comment: The p.E768K variant (also known as c.2302G>A), located in coding exon 19 of the FBN1 gene, results from a G to A substitution at nucleotide position 2302. The glutamic acid at codon 768 is replaced by lysine, an amino acid with similar properties. This variant was detected in an individual with reported Marfan syndrome and transposition of the great vessels; however, clinical details were limited (Saef J et al. Tex Heart Inst J, 2019 Jun;46:229-230). This amino acid position is highly conserved in available vertebrate species. In addition, this alteration is predicted to be deleterious by in silico analysis. Since supporting evidence is limited at this time, the clinical significance of this alteration remains unclear.

Literature cited by the submitters: PubMed 33824467 (cited by Labcorp Genetics (formerly Invitae), Labcorp); PubMed 31708711 (cited by Ambry Genetics).